The following is an entry in ClinVar:

NM_001281740.3(FHOD3):c.1377G>A (p.Ser459=)

Gene: FHOD3 (formin homology 2 domain containing 3; plus strand). Cytogenetic location: 18q12.2.
Variant type: single nucleotide variant.
Coding change: c.1377G>A on transcript NM_001281740.3 (MANE Select); coding-DNA position 1377, G replaced by A.
Protein change: p.Ser459=; no amino-acid change (serine 459 retained).
Molecular consequence: synonymous variant. On other transcripts: intron variant (2).
Genome position (GRCh38, 1-based): chr18:36,652,660, G>A. VCF-style: chr18-36652660-G-A. GRCh37 (hg19) VCF-style: chr18-34232623-G-A.
Other names: c.1377G>A (NM_001281740.2); c.1197-5415G>A (NM_025135.5, NM_001281739.3).
Identifiers: ClinVar variation 3895410 (VCV003895410.2), dbSNP rs763515907.
Genomic context (GRCh38, chr18:36,652,660, plus strand): 5'-CACTGGAAGGGATGCTGCTCCCAAGAGCTCTGCCCTCCCTGCTGTCTCGAATGCCAGCTC[G>A]CAGGGAAAGCCGCTTCTGGTTGGCACTGCAGGCGGGACCACCTGGCACAGTGGGTCCTCT-3'
Protein context (NP_001268669.1, residues 449-469): SALPAVSNAS[Ser459=]QGKPLLVGTA

ClinVar aggregate classification (germline): Likely benign. Review status: criteria provided, multiple submitters, no conflicts (2 of 4 stars). 2 submissions from 2 submitters: Likely benign (2). Last evaluated 2026-03-24.

Conditions:
FHOD3-related disorder. Also called: FHOD3-related condition.

gnomAD v4.1: 77 of 1,535,562 alleles (0.005%); highest among the groups gnomAD compares: Admixed American, 0.045%; no homozygotes.

Submissions (2):

PreventionGenetics, part of Exact Sciences
Classification: Likely benign for FHOD3-related condition. Last evaluated: 2026-03-24. Review status: criteria provided, single submitter. Criteria: ACMG Guidelines, 2015. Collection method: clinical testing. Allele origin: germline.
Comment: This variant is classified as likely benign based on ACMG/AMP sequence variant interpretation guidelines (Richards et al. 2015 PMID: 25741868, with internal and published modifications).

Molecular Diagnostic Laboratory for Inherited Cardiovascular Disease, Montreal Heart Institute
Classification: Likely benign. Last evaluated: 2025-04-09. Review status: criteria provided, single submitter. Criteria: ACMG Guidelines, 2015. Collection method: clinical testing. Allele origin: germline. Affected: no.
Comment: BP7